The following is an entry in ClinVar:

ClinVar aggregate classification (germline): Benign/Likely benign. Review status: criteria provided, multiple submitters, no conflicts (2 of 4 stars). 6 submissions from 6 submitters: Benign (1); Likely benign (5). Last evaluated 2026-01-04.

Conditions:
Hereditary cancer-predisposing syndrome. Also called: Hereditary neoplastic syndrome; Hereditary Cancer Syndrome; Neoplastic Syndromes, Hereditary; Tumor predisposition. Identifiers: Orphanet 140162, MedGen C0027672, MeSH D009386, MONDO:0015356.
Familial cancer of breast. Also called: Hereditary breast cancer; BREAST CANCER, FAMILIAL; hereditary breast carcinoma. Identifiers: Orphanet 227535, MedGen C0346153, MONDO:0016419, OMIM 114480. Disease mechanism: loss of function.

Allele frequency attached by ClinVar (database versions not stated): TOPMed below 0.00001; ExAC 0.00001; gnomAD exomes 0.00001.
gnomAD v4.1: 4 of 1,613,722 alleles (0.00025%); highest among the groups gnomAD compares: East Asian, 0.0022%; no homozygotes.

Submissions (6):

Women's Health and Genetics/Laboratory Corporation of America, LabCorp
Classification: Likely benign. Last evaluated: 2026-01-04. Review status: criteria provided, single submitter. Criteria: LabCorp Variant Classification Summary - May 2015. Collection method: clinical testing. Allele origin: germline.

Labcorp Genetics (formerly Invitae), Labcorp
Classification: Likely benign for Familial cancer of breast. Last evaluated: 2025-11-18. Review status: criteria provided, single submitter. Criteria: Invitae Variant Classification Sherloc (09022015). Collection method: clinical testing. Allele origin: germline.

Quest Diagnostics Nichols Institute San Juan Capistrano
Classification: Likely benign. Last evaluated: 2025-08-20. Review status: criteria provided, single submitter. Criteria: Quest Diagnostics criteria. Collection method: clinical testing. Allele origin: unknown.

Myriad Genetics, Inc.
Classification: Benign for Familial cancer of breast. Last evaluated: 2024-07-26. Review status: criteria provided, single submitter. Criteria: Myriad Autosomal Dominant, Autosomal Recessive and X-Linked Classification Criteria (2023). Collection method: clinical testing. Allele origin: unknown.
Comment: This variant is considered benign. This variant is a silent/synonymous amino acid change and it is not expected to impact splicing.

Color Diagnostics, LLC DBA Color Health
Classification: Likely benign for Hereditary cancer-predisposing syndrome. Last evaluated: 2016-11-10. Review status: criteria provided, single submitter. Criteria: ACMG Guidelines, 2015. Collection method: clinical testing. Allele origin: germline.

Ambry Genetics
Classification: Likely benign for Hereditary cancer-predisposing syndrome. Last evaluated: 2015-01-20. Review status: criteria provided, single submitter. Criteria: Ambry Variant Classification Scheme 2023. Collection method: clinical testing. Allele origin: germline.

NM_000465.4(BARD1):c.1623G>A (p.Ser541=)

Gene: BARD1 (BRCA1 associated RING domain 1; minus strand). Cytogenetic location: 2q35.
Variant type: single nucleotide variant.
Coding change: c.1623G>A on transcript NM_000465.4 (MANE Select); coding-DNA position 1623, G replaced by A.
Protein change: p.Ser541=; no amino-acid change (serine 541 retained).
Molecular consequence: synonymous variant. On other transcripts: non-coding transcript variant (3), intron variant (1).
Genome position (GRCh38, 1-based): chr2:214,752,501, C>T on the plus strand (G>A on the coding strand, the complement: BARD1 is on the minus strand). VCF-style: chr2-214752501-C-T. GRCh37 (hg19) VCF-style: chr2-215617225-C-T.
Other names: c.1566G>A, p.Ser522= (NM_001282543.2); c.270G>A, p.Ser90= (NM_001282545.2); c.213G>A, p.Ser71= (NM_001282548.2); c.365-21993G>A (NM_001282549.2).
Identifiers: ClinVar variation 230094 (VCV000230094.22), dbSNP rs758552128, ClinGen allele CA2090208.
Genomic context (GRCh38, chr2:214,752,501, plus strand): 5'-ACTTACTACTGAGCAGTGGCTAGCTGAGGATGATTCATTCTTCTCTGGTAGCAGCAATAG[C>T]GATTTCATACTTTCATCATCTGTATAATCGACAGGCCGCAGACCAAATATATTACTGGTA-3'
Protein context (NP_000456.2, residues 531-551): VDYTDDESMK[Ser541=]LLLLPEKNES